The following is an entry in ClinVar:

ClinVar aggregate classification (germline): Benign (1 of 4 stars; one submission).

Allele frequency attached by ClinVar (database versions not stated): ESP Exome Variant Server 0.00034; 1000 Genomes Project 0.00060; 1000 Genomes Project 30x 0.00062.
gnomAD v4.1: 352 of 1,611,338 alleles (0.022%); highest among the groups gnomAD compares: African/African-American, 0.37%; 7 homozygotes.

Submission:

CeGaT Center for Human Genetics Tuebingen
Classification: Benign. Last evaluated: 2022-06-01. Review status: criteria provided, single submitter. Criteria: CeGaT Center For Human Genetics Tuebingen Variant Classification Criteria Version 2. Collection method: clinical testing. Allele origin: germline. Affected: yes. Observed: 1 variant allele.
Comment: AHNAK2: BS1, BS2

NM_138420.4(AHNAK2):c.2799C>G (p.Gly933=)

Gene: AHNAK2 (AHNAK nucleoprotein 2; minus strand). Cytogenetic location: 14q32.33.
Variant type: single nucleotide variant.
Coding change: c.2799C>G on transcript NM_138420.4 (MANE Select); coding-DNA position 2799, C replaced by G.
Protein change: p.Gly933=; no amino-acid change (glycine 933 retained).
Molecular consequence: synonymous variant.
Genome position (GRCh38, 1-based): chr14:104,952,652, G>C on the plus strand (C>G on the coding strand, the complement: AHNAK2 is on the minus strand). VCF-style: chr14-104952652-G-C. GRCh37 (hg19) VCF-style: chr14-105418989-G-C.
Other names: c.2499C>G, p.Gly833= (NM_001350929.2).
Identifiers: ClinVar variation 2644874 (VCV002644874.24), dbSNP rs374476127, ClinGen allele CA7383347.